The following is an entry in ClinVar:

NM_198578.4(LRRK2):c.6353A>G (p.Asn2118Ser)

Gene: LRRK2 (leucine rich repeat kinase 2; plus strand). Cytogenetic location: 12q12.
Variant type: single nucleotide variant.
Coding change: c.6353A>G on transcript NM_198578.4 (MANE Select); coding-DNA position 6353, A replaced by G.
Protein change: p.Asn2118Ser; replaces asparagine 2118 with serine.
Molecular consequence: missense variant.
Genome position (GRCh38, 1-based): chr12:40,348,481, A>G. VCF-style: chr12-40348481-A-G. GRCh37 (hg19) VCF-style: chr12-40742283-A-G.
Other names: short protein forms N2118S.
Identifiers: ClinVar variation 1753016 (VCV001753016.3), dbSNP rs777399851, ClinGen allele CA6514654.

ClinVar aggregate classification (germline): Uncertain significance (1 of 4 stars; one submission).

Conditions:
Inborn genetic diseases. Identifiers: MedGen C0950123, MeSH D030342.

Allele frequency attached by ClinVar (database versions not stated): gnomAD exomes below 0.00001; gnomAD 0.00001; TOPMed 0.00002; ExAC 0.00003.

Submission:

Ambry Genetics
Classification: Uncertain significance for Inborn genetic diseases. Last evaluated: 2024-10-28. Review status: criteria provided, single submitter. Criteria: Ambry Variant Classification Scheme 2023. Collection method: clinical testing. Allele origin: germline.
Comment: The p.N2118S variant (also known as c.6353A>G), located in coding exon 43 of the LRRK2 gene, results from an A to G substitution at nucleotide position 6353. The asparagine at codon 2118 is replaced by serine, an amino acid with highly similar properties. This amino acid position is conserved. In addition, this alteration is predicted to be tolerated by in silico analysis. Since supporting evidence is limited at this time, the clinical significance of this alteration remains unclear.